The following is an entry in ClinVar:

ClinVar aggregate classification (germline): Benign/Likely benign. Review status: criteria provided, multiple submitters, no conflicts (2 of 4 stars). 3 submissions from 3 submitters: Benign (1); Likely benign (1). 1 of the submissions does not count toward it. Last evaluated 2026-06-01.

Conditions:
FCSK-related disorder. Also called: FCSK-related condition.

Allele frequency attached by ClinVar (database versions not stated): gnomAD exomes 0.00032; ExAC 0.00135; ESP Exome Variant Server 0.00243; gnomAD 0.00340; 1000 Genomes Project 0.00359; TOPMed 0.00389; 1000 Genomes Project 30x 0.00406.
gnomAD v4.1: 1,000 of 1,568,550 alleles (0.064%); highest among the groups gnomAD compares: African/African-American, 1.2%; 9 homozygotes.

Submissions (5):

CeGaT Center for Human Genetics Tuebingen
Classification: Likely benign. Last evaluated: 2026-06-01. Review status: criteria provided, single submitter. Criteria: CeGaT Center For Human Genetics Tuebingen Variant Classification Criteria Version 2. Collection method: clinical testing. Allele origin: germline. Affected: yes. Observed: 1 variant allele.
Comment: FCSK: BP4, BS1

Labcorp Genetics (formerly Invitae), Labcorp
Classification: Benign. Last evaluated: 2025-12-19. Review status: criteria provided, single submitter. Criteria: Invitae Variant Classification Sherloc (09022015). Collection method: clinical testing. Allele origin: germline.

PreventionGenetics, part of Exact Sciences
Classification: Benign for FCSK-related condition. Last evaluated: 2019-10-04. Review status: no assertion criteria provided. Collection method: clinical testing. Allele origin: germline. Not counted in ClinVar's aggregate classification.
Comment: This variant is classified as benign based on ACMG/AMP sequence variant interpretation guidelines (Richards et al. 2015 PMID: 25741868, with internal and published modifications).

Dr. Peter K. Rogan Lab, Western University
No classification provided (evidence only). Condition: Lung cancer. Review status: no classification provided. Collection method: in vitro. Allele origin: not applicable. Functional consequence: retained intron. Not counted in ClinVar's aggregate classification.

Dr. Peter K. Rogan Lab, Western University
No classification provided (evidence only). Condition: Familial cancer of breast. Review status: no classification provided. Collection method: in vitro. Allele origin: not applicable. Functional consequence: retained intron. Not counted in ClinVar's aggregate classification.

NM_145059.3(FCSK):c.2641+4T>G

Gene: FCSK (fucose kinase; plus strand). Cytogenetic location: 16q22.1.
Variant type: single nucleotide variant.
Coding change: c.2641+4T>G on transcript NM_145059.3 (MANE Select); 4 bases into the intron after coding-DNA position 2641, T replaced by G.
Molecular consequence: intron variant.
Genome position (GRCh38, 1-based): chr16:70,475,771, T>G. VCF-style: chr16-70475771-T-G. GRCh37 (hg19) VCF-style: chr16-70509674-T-G.
Other names: c.2641+4T>G (NM_145059.2).
Identifiers: ClinVar variation 2054274 (VCV002054274.9), dbSNP rs148360040, ClinGen allele CA8143668.